The following is an entry in ClinVar:

ClinVar aggregate classification (germline): Conflicting classifications of pathogenicity. Review status: criteria provided, conflicting classifications (1 of 4 stars). 16 submissions from 15 submitters: Uncertain significance (1); Benign (5); Likely benign (7). 3 of the submissions do not count toward it. Last evaluated 2026-08-01.

Conditions:
Inborn genetic diseases. Identifiers: MedGen C0950123, MeSH D030342.
Emery-Dreifuss muscular dystrophy 4, autosomal dominant (EDMD4). Also called: EMERY-DREIFUSS MUSCULAR DYSTROPHY 4 WITH VARIABLE FEATURES. Identifiers: Orphanet 261, MedGen C2751807, MONDO:0013071, OMIM 612998.
Autosomal recessive ataxia, Beauce type. Also called: SYNE1 Deficiency; ATAXIA, RECESSIVE, OF BEAUCE; Spinocerebellar ataxia, autosomal recessive 8; SYNE1-Related Autosomal Recessive Cerebellar Ataxia. Identifiers: Orphanet 88644, MedGen C1853116, MONDO:0012549, OMIM 610743.

Allele frequency attached by ClinVar (database versions not stated): 1000 Genomes Project 0.00220; 1000 Genomes Project 30x 0.00234; TOPMed 0.00377; ESP Exome Variant Server 0.00392; gnomAD exomes 0.00508 and 0.00591; ExAC 0.00532; gnomAD 0.00570.
gnomAD v4.1: 9,275 of 1,614,084 alleles (0.57%); highest among the groups gnomAD compares: Non-Finnish European, 0.64%; 34 homozygotes.

Submissions (16):

CeGaT Center for Human Genetics Tuebingen
Classification: Likely benign. Last evaluated: 2026-08-01. Review status: criteria provided, single submitter. Criteria: CeGaT Center For Human Genetics Tuebingen Variant Classification Criteria Version 2. Collection method: clinical testing. Allele origin: germline. Affected: yes. Observed: 31 variant alleles.
Comment: SYNE1: BP4, BS2

Labcorp Genetics (formerly Invitae), Labcorp
Classification: Benign for Emery-Dreifuss muscular dystrophy 4, autosomal dominant; Autosomal recessive ataxia, Beauce type. Last evaluated: 2026-01-25. Review status: criteria provided, single submitter. Criteria: Invitae Variant Classification Sherloc (09022015). Collection method: clinical testing. Allele origin: germline.

ARUP Laboratories, Molecular Genetics and Genomics, ARUP Laboratories
Classification: Likely benign. Last evaluated: 2023-10-26. Review status: criteria provided, single submitter. Criteria: ARUP Molecular Germline Variant Investigation Process 2024. Collection method: clinical testing. Allele origin: germline.

Ambry Genetics
Classification: Uncertain significance for Inborn genetic diseases. Last evaluated: 2021-10-21. Review status: criteria provided, single submitter. Criteria: Ambry Variant Classification Scheme 2023. Collection method: clinical testing. Allele origin: germline.

GeneDx
Classification: Likely benign. Last evaluated: 2021-04-16. Review status: criteria provided, single submitter. Criteria: GeneDx Variant Classification Process June 2021. Collection method: clinical testing. Allele origin: germline. Affected: yes.
Comment: Has not been previously published as pathogenic or benign to our knowledge

Mendelics
Classification: Likely benign for Autosomal recessive ataxia, Beauce type. Last evaluated: 2019-05-28. Review status: criteria provided, single submitter. Criteria: Mendelics Assertion Criteria 2017. Collection method: clinical testing. Allele origin: unknown.

Mayo Clinic Laboratories, Mayo Clinic
Classification: Benign. Last evaluated: 2018-02-12. Review status: criteria provided, single submitter. Criteria: ACMG Guidelines, 2015. Collection method: clinical testing. Allele origin: germline. Observed: 16 variant alleles.

Athena Diagnostics
Classification: Benign. Last evaluated: 2018-01-16. Review status: criteria provided, single submitter. Criteria: Athena Diagnostics Criteria. Collection method: clinical testing. Allele origin: germline.

Illumina Laboratory Services, Illumina
Classification: Likely benign for Autosomal recessive ataxia, Beauce type. Last evaluated: 2018-01-13. Review status: criteria provided, single submitter. Criteria: ICSL Variant Classification Criteria 13 December 2019. Collection method: clinical testing. Allele origin: germline.
Comment: This variant was observed in the ICSL laboratory as part of a predisposition screen in an ostensibly healthy population. It had not been previously curated by ICSL or reported in the Human Gene Mutation Database (HGMD: prior to June 1st, 2018), and was therefore a candidate for classification through an automated scoring system. Utilizing variant allele frequency, disease prevalence and penetrance estimates, and inheritance mode, an automated score was calculated to assess if this variant is too frequent to cause the disease. Based on the score and internal cut-off values, a variant classified as likely benign is not then subjected to further curation. The score for this variant resulted in a classification of likely benign for this disease.

Illumina Laboratory Services, Illumina
Classification: Benign for Emery-Dreifuss muscular dystrophy 4, autosomal dominant. Last evaluated: 2018-01-13. Review status: criteria provided, single submitter. Criteria: ICSL Variant Classification Criteria 13 December 2019. Collection method: clinical testing. Allele origin: germline.
Comment: This variant was observed in the ICSL laboratory as part of a predisposition screen in an ostensibly healthy population. It had not been previously curated by ICSL or reported in the Human Gene Mutation Database (HGMD: prior to June 1st, 2018), and was therefore a candidate for classification through an automated scoring system. Utilizing variant allele frequency, disease prevalence and penetrance estimates, and inheritance mode, an automated score was calculated to assess if this variant is too frequent to cause the disease. Based on the score and internal cut-off values, a variant classified as benign is not then subjected to further curation. The score for this variant resulted in a classification of benign for this disease.

Eurofins Ntd Llc (ga)
Classification: Benign. Last evaluated: 2015-01-07. Review status: criteria provided, single submitter. Criteria: EGL Classification Definitions 2015. Collection method: clinical testing. Allele origin: germline. Observed: 2 variant alleles, 1 heterozygote, 1 homozygote.

Breakthrough Genomics
Classification: Likely benign. Review status: criteria provided, single submitter. Criteria: ACMG Guidelines, 2015. Collection method: not provided. Allele origin: germline. Inheritance: Autosomal recessive inheritance. Affected: yes.

PreventionGenetics, part of Exact Sciences
Classification: Likely benign. Review status: criteria provided, single submitter. Criteria: ACMG Guidelines, 2015. Collection method: clinical testing. Allele origin: germline.

Clinical Genetics DNA and cytogenetics Diagnostics Lab, Erasmus MC, Erasmus Medical Center
Classification: Likely benign. Review status: no assertion criteria provided. Collection method: clinical testing. Allele origin: germline. Affected: yes. Study: VKGL Data-share Consensus. Not counted in ClinVar's aggregate classification.

Joint Genome Diagnostic Labs from Nijmegen and Maastricht, Radboudumc and MUMC+
Classification: Likely benign. Review status: no assertion criteria provided. Collection method: clinical testing. Allele origin: germline. Affected: yes. Study: VKGL Data-share Consensus. Not counted in ClinVar's aggregate classification.

Laboratory of Diagnostic Genome Analysis, Leiden University Medical Center (LUMC)
Classification: Likely benign. Review status: no assertion criteria provided. Collection method: clinical testing. Allele origin: germline. Affected: yes. Study: VKGL Data-share Consensus. Not counted in ClinVar's aggregate classification.

NM_182961.4(SYNE1):c.24952C>T (p.Leu8318Phe)

Gene: SYNE1 (spectrin repeat containing nuclear envelope protein 1; minus strand). Cytogenetic location: 6q25.2.
Variant type: single nucleotide variant.
Coding change: c.24952C>T on transcript NM_182961.4 (MANE Select); coding-DNA position 24952, C replaced by T.
Protein change: p.Leu8318Phe; replaces leucine 8318 with phenylalanine.
Molecular consequence: missense variant.
Genome position (GRCh38, 1-based): chr6:152,148,069, G>A on the plus strand (C>T on the coding strand, the complement: SYNE1 is on the minus strand). VCF-style: chr6-152148069-G-A. GRCh37 (hg19) VCF-style: chr6-152469204-G-A.
Other names: p.Leu8247Phe; c.1558C>T, p.Leu520Phe (NM_001347701.2); c.1417C>T, p.Leu473Phe (NM_001347702.2); c.24739C>T, p.Leu8247Phe (NM_033071.5); short protein forms L8247F, L8318F, L473F, L520F.
Identifiers: ClinVar variation 194303 (VCV000194303.77), dbSNP rs141716975, ClinGen allele CA201107.